The following is an entry in ClinVar:

NM_018418.5(SPATA7):c.265C>T (p.Leu89Phe)

Gene: SPATA7 (spermatogenesis associated 7; plus strand). Cytogenetic location: 14q31.3.
Variant type: single nucleotide variant.
Coding change: c.265C>T on transcript NM_018418.5 (MANE Select); coding-DNA position 265, C replaced by T.
Protein change: p.Leu89Phe; replaces leucine 89 with phenylalanine.
Molecular consequence: missense variant.
Genome position (GRCh38, 1-based): chr14:88,416,737, C>T. VCF-style: chr14-88416737-C-T. GRCh37 (hg19) VCF-style: chr14-88883081-C-T.
Other names: c.169C>T, p.Leu57Phe (NM_001040428.4); short protein forms L57F, L89F.
Identifiers: ClinVar variation 1982765 (VCV001982765.4), dbSNP rs747784419, ClinGen allele CA7298482.

ClinVar aggregate classification (germline): Uncertain significance (1 of 4 stars; one submission).

Conditions:
Leber congenital amaurosis 3 (LCA3). Also called: SPATA7-Related Retinitis Pigmentosa. Identifiers: MedGen C1858677, MONDO:0011415, OMIM 604232.

Allele frequency attached by ClinVar (database versions not stated): TOPMed below 0.00001; gnomAD 0.00001.
gnomAD v4.1: 11 of 1,613,090 alleles (0.00068%); highest among the groups gnomAD compares: East Asian, 0.018%; no homozygotes.

Submission:

Labcorp Genetics (formerly Invitae), Labcorp
Classification: Uncertain significance for Leber congenital amaurosis 3. Last evaluated: 2022-07-15. Review status: criteria provided, single submitter. Criteria: Invitae Variant Classification Sherloc (09022015). Collection method: clinical testing. Allele origin: germline.
Comment: In summary, the available evidence is currently insufficient to determine the role of this variant in disease. Therefore, it has been classified as a Variant of Uncertain Significance. Algorithms developed to predict the effect of missense changes on protein structure and function are either unavailable or do not agree on the potential impact of this missense change (SIFT: "Deleterious"; PolyPhen-2: "Probably Damaging"; Align-GVGD: "Class C0"). This variant has not been reported in the literature in individuals affected with SPATA7-related conditions. This variant is present in population databases (rs747784419, gnomAD 0.02%). This sequence change replaces leucine, which is neutral and non-polar, with phenylalanine, which is neutral and non-polar, at codon 89 of the SPATA7 protein (p.Leu89Phe).